The following is an entry in ClinVar:

ClinVar aggregate classification (germline): Conflicting classifications of pathogenicity. Review status: criteria provided, conflicting classifications (1 of 4 stars). 5 submissions from 5 submitters: Uncertain significance (1); Likely benign (3). 1 of the submissions does not count toward it. Last evaluated 2026-02-02.

Conditions:
CHD7-related disorder. Also called: CHD7-related condition.
Hypogonadotropic hypogonadism 5 with or without anosmia (KAL5). Also called: HYPOGONADOTROPIC HYPOGONADISM 5 WITH ANOSMIA; HYPOGONADOTROPHIC HYPOGONADISM 5 WITHOUT ANOSMIA; CHD7-Related GnRH Deficiency (Kallmann Syndrome 5). Identifiers: Orphanet 478, MedGen C3552553, MONDO:0012880, OMIM 612370. Disease mechanism: loss of function.
CHARGE syndrome (CHARGE). Also called: Hittner Hirsch Kreh syndrome; CHARGE ASSOCIATION--COLOBOMA, HEART ANOMALY, CHOANAL ATRESIA, RETARDATION, GENITAL AND EAR ANOMALIES; Coloboma, heart anomaly, choanal atresia, retardation, genital and ear anomalies; CHARGE association; Hall-Hittner syndrome. Identifiers: Orphanet 138, MedGen C0265354, MONDO:0008965.

Allele frequency attached by ClinVar (database versions not stated): ExAC 0.00001; gnomAD exomes 0.00001 and 0.00003; TOPMed 0.00003; gnomAD 0.00005 and 0.00006; ESP Exome Variant Server 0.00008.
gnomAD v4.1: 52 of 1,613,162 alleles (0.0032%); highest among the groups gnomAD compares: African/African-American, 0.0053%; no homozygotes.

Submissions (5):

Labcorp Genetics (formerly Invitae), Labcorp
Classification: Likely benign for CHARGE syndrome. Last evaluated: 2026-02-02. Review status: criteria provided, single submitter. Criteria: Invitae Variant Classification Sherloc (09022015). Collection method: clinical testing. Allele origin: germline.

Blueprint Genetics
Classification: Likely benign. Last evaluated: 2022-09-12. Review status: criteria provided, single submitter. Criteria: ACMG Guidelines, 2015. Collection method: clinical testing. Allele origin: germline.

Athena Diagnostics
Classification: Likely benign. Last evaluated: 2019-03-21. Review status: criteria provided, single submitter. Criteria: Athena Diagnostics Criteria. Collection method: clinical testing. Allele origin: germline.

Illumina Laboratory Services, Illumina
Classification: Uncertain significance for Kallmann Syndrome 5. Last evaluated: 2018-01-13. Review status: criteria provided, single submitter. Criteria: ICSL Variant Classification Criteria 13 December 2019. Collection method: clinical testing. Allele origin: germline.

PreventionGenetics, part of Exact Sciences
Classification: Likely benign for CHD7-related condition. Last evaluated: 2021-01-14. Review status: no assertion criteria provided. Collection method: clinical testing. Allele origin: germline. Not counted in ClinVar's aggregate classification.
Comment: This variant is classified as likely benign based on ACMG/AMP sequence variant interpretation guidelines (Richards et al. 2015 PMID: 25741868, with internal and published modifications).

NM_017780.4(CHD7):c.1410A>G (p.Glu470=)

Gene: CHD7 (chromodomain helicase DNA binding protein 7; plus strand). Cytogenetic location: 8q12.2.
Variant type: single nucleotide variant.
Coding change: c.1410A>G on transcript NM_017780.4 (MANE Select); coding-DNA position 1410, A replaced by G.
Protein change: p.Glu470=; no amino-acid change (glutamic acid 470 retained).
Molecular consequence: synonymous variant.
Genome position (GRCh38, 1-based): chr8:60,742,842, A>G. VCF-style: chr8-60742842-A-G. GRCh37 (hg19) VCF-style: chr8-61655401-A-G.
Other names: c.1410A>G, p.Glu470= (NM_001316690.1).
Identifiers: ClinVar variation 700905 (VCV000700905.18), dbSNP rs368648424, ClinGen allele CA4759488.